The following is an entry in ClinVar:

NM_005186.4(CAPN1):c.1211C>T (p.Thr404Met)

Gene: CAPN1 (calpain 1; plus strand). Cytogenetic location: 11q13.1.
Variant type: single nucleotide variant.
Coding change: c.1211C>T on transcript NM_005186.4 (MANE Select); coding-DNA position 1211, C replaced by T.
Protein change: p.Thr404Met; replaces threonine 404 with methionine.
Molecular consequence: missense variant. On other transcripts: non-coding transcript variant (1).
Genome position (GRCh38, 1-based): chr11:65,204,728, C>T. VCF-style: chr11-65204728-C-T. GRCh37 (hg19) VCF-style: chr11-64972199-C-T.
Other names: c.1211C>T, p.Thr404Met (NM_001198868.2, NM_001198869.2); c.1049C>T, p.Thr350Met (NM_001198870.1); c.1211C>T (NM_001198868.1); short protein forms T350M, T404M.
Identifiers: ClinVar variation 2498516 (VCV002498516.28), dbSNP rs769161725, ClinGen allele CA6093333.

ClinVar aggregate classification (germline): Uncertain significance. Review status: criteria provided, multiple submitters, no conflicts (2 of 4 stars). 2 submissions from 2 submitters: Uncertain significance (2). Last evaluated 2025-12-09.

Conditions:
Inborn genetic diseases. Identifiers: MedGen C0950123, MeSH D030342.

gnomAD v4.1: 6 of 1,613,040 alleles (0.00037%); highest among the groups gnomAD compares: Middle Eastern, 0.016%; no homozygotes.

Submissions (2):

Ambry Genetics
Classification: Uncertain significance for Inborn genetic diseases. Last evaluated: 2025-12-09. Review status: criteria provided, single submitter. Criteria: Ambry Variant Classification Scheme 2023. Collection method: clinical testing. Allele origin: germline.

CeGaT Center for Human Genetics Tuebingen
Classification: Uncertain significance. Last evaluated: 2023-03-01. Review status: criteria provided, single submitter. Criteria: CeGaT Center For Human Genetics Tuebingen Variant Classification Criteria Version 2. Collection method: clinical testing. Allele origin: germline. Affected: yes. Observed: 1 variant allele.
Comment: CAPN1: PM2, BP4